The following is an entry in ClinVar:

ClinVar aggregate classification (germline): Likely benign (1 of 4 stars; one submission).

Conditions:
PAK2-related disorder. Also called: PAK2-related condition.

gnomAD v4.1: 17 of 1,581,928 alleles (0.0011%); highest among the groups gnomAD compares: African/African-American, 0.019%; no homozygotes.

Submission:

PreventionGenetics, part of Exact Sciences
Classification: Likely benign for PAK2-related condition. Last evaluated: 2026-07-14. Review status: criteria provided, single submitter. Criteria: ACMG Guidelines, 2015. Collection method: clinical testing. Allele origin: germline.
Comment: This variant is classified as likely benign based on ACMG/AMP sequence variant interpretation guidelines (Richards et al. 2015 PMID: 25741868, with internal and published modifications).

NM_002577.4(PAK2):c.187+10G>T

Gene: PAK2 (p21 (RAC1) activated kinase 2; plus strand). Cytogenetic location: 3q29.
Variant type: single nucleotide variant.
Coding change: c.187+10G>T on transcript NM_002577.4 (MANE Select); 10 bases into the intron after coding-DNA position 187, G replaced by T.
Molecular consequence: intron variant.
Genome position (GRCh38, 1-based): chr3:196,782,843, G>T. VCF-style: chr3-196782843-G-T. GRCh37 (hg19) VCF-style: chr3-196509714-G-T.
Identifiers: ClinVar variation 4981904 (VCV004981904.1).